The following is an entry in ClinVar:

ClinVar aggregate classification (germline): Uncertain significance (1 of 4 stars; one submission).

Submission:

Labcorp Genetics (formerly Invitae), Labcorp
Classification: Uncertain significance. Last evaluated: 2025-07-29. Review status: criteria provided, single submitter. Criteria: Invitae Variant Classification Sherloc (09022015). Collection method: clinical testing. Allele origin: germline.
Comment: This sequence change affects codon 232 of the KLHL7 mRNA. It is a 'silent' change, meaning that it does not change the encoded amino acid sequence of the KLHL7 protein. This variant is not present in population databases (gnomAD no frequency). This variant has not been reported in the literature in individuals affected with KLHL7-related conditions. Algorithms developed to predict the effect of sequence changes on RNA splicing suggest that this variant may create or strengthen a splice site. In summary, the available evidence is currently insufficient to determine the role of this variant in disease. Therefore, it has been classified as a Variant of Uncertain Significance.

NM_001031710.3(KLHL7):c.696A>G (p.Lys232=)

Gene: KLHL7 (kelch like family member 7; plus strand). Cytogenetic location: 7p15.3.
Variant type: single nucleotide variant.
Coding change: c.696A>G on transcript NM_001031710.3 (MANE Select); coding-DNA position 696, A replaced by G.
Protein change: p.Lys232=; no amino-acid change (lysine 232 retained).
Molecular consequence: synonymous variant. On other transcripts: non-coding transcript variant (1).
Genome position (GRCh38, 1-based): chr7:23,143,928, A>G. VCF-style: chr7-23143928-A-G. GRCh37 (hg19) VCF-style: chr7-23183547-A-G.
Other names: c.552A>G, p.Lys184= (NM_018846.5).
Identifiers: ClinVar variation 4724234 (VCV004724234.1).